The following is an entry in ClinVar:

NM_007186.6(CEP250):c.4153C>T (p.Arg1385Cys)

Gene: CEP250 (centrosomal protein 250; plus strand). Cytogenetic location: 20q11.22.
Variant type: single nucleotide variant.
Coding change: c.4153C>T on transcript NM_007186.6 (MANE Select); coding-DNA position 4153, C replaced by T.
Protein change: p.Arg1385Cys; replaces arginine 1385 with cysteine.
Molecular consequence: missense variant.
Genome position (GRCh38, 1-based): chr20:35,502,522, C>T. VCF-style: chr20-35502522-C-T. GRCh37 (hg19) VCF-style: chr20-34090350-C-T.
Other names: c.2257C>T, p.Arg753Cys (NM_001318219.1); c.4153C>T (NM_007186.3); short protein forms R1385C, R753C.
Identifiers: ClinVar variation 2025582 (VCV002025582.2), dbSNP rs372147636, ClinGen allele CA9833673.

ClinVar aggregate classification (germline): Uncertain significance. Review status: criteria provided, multiple submitters, no conflicts (2 of 4 stars). 2 submissions from 2 submitters: Uncertain significance (2). Last evaluated 2024-04-09.

Allele frequency attached by ClinVar (database versions not stated): gnomAD 0.00001; TOPMed 0.00002; ExAC 0.00003; ESP Exome Variant Server 0.00008.
gnomAD v4.1: 14 of 1,614,030 alleles (0.00087%); highest among the groups gnomAD compares: African/African-American, 0.0027%; no homozygotes.

Submissions (2):

Ambry Genetics
Classification: Uncertain significance. Last evaluated: 2024-04-09. Review status: criteria provided, single submitter. Criteria: Ambry Variant Classification Scheme 2023. Collection method: clinical testing. Allele origin: germline.

Labcorp Genetics (formerly Invitae), Labcorp
Classification: Uncertain significance. Last evaluated: 2022-03-15. Review status: criteria provided, single submitter. Criteria: Invitae Variant Classification Sherloc (09022015). Collection method: clinical testing. Allele origin: germline.
Comment: This sequence change replaces arginine, which is basic and polar, with cysteine, which is neutral and slightly polar, at codon 1385 of the CEP250 protein (p.Arg1385Cys). This variant is present in population databases (rs372147636, gnomAD 0.008%). This variant has not been reported in the literature in individuals affected with CEP250-related conditions. Algorithms developed to predict the effect of missense changes on protein structure and function are either unavailable or do not agree on the potential impact of this missense change (SIFT: "Not Available"; PolyPhen-2: "Probably Damaging"; Align-GVGD: "Not Available"). In summary, the available evidence is currently insufficient to determine the role of this variant in disease. Therefore, it has been classified as a Variant of Uncertain Significance.